The following is an entry in ClinVar:

NM_000053.4(ATP7B):c.4036A>T (p.Ile1346Phe)

Gene: ATP7B (ATPase copper transporting beta; minus strand). Cytogenetic location: 13q14.3.
Variant type: single nucleotide variant.
Coding change: c.4036A>T on transcript NM_000053.4 (MANE Select); coding-DNA position 4036, A replaced by T.
Protein change: p.Ile1346Phe; replaces isoleucine 1346 with phenylalanine.
Molecular consequence: missense variant.
Genome position (GRCh38, 1-based): chr13:51,935,681, T>A on the plus strand (A>T on the coding strand, the complement: ATP7B is on the minus strand). VCF-style: chr13-51935681-T-A. GRCh37 (hg19) VCF-style: chr13-52509817-T-A.
Other names: c.3415A>T, p.Ile1139Phe (NM_001005918.3); c.3703A>T, p.Ile1235Phe (NM_001243182.2); c.3802A>T, p.Ile1268Phe (NM_001330578.2, NM_001406527.1, NM_001406528.1); c.3784A>T, p.Ile1262Phe (NM_001330579.2, NM_001406531.1, NM_001406532.1); c.4036A>T, p.Ile1346Phe (NM_001406511.1, NM_001406512.1); c.4030A>T, p.Ile1344Phe (NM_001406513.1); c.4003A>T, p.Ile1335Phe (NM_001406514.1); c.3982A>T, p.Ile1328Phe (NM_001406515.1, NM_001406516.1); and 22 more; short protein forms I1065F, I1119F, I1130F, I1139F, I1152F, I1182F, I1184F, I1197F.
Identifiers: ClinVar variation 3075579 (VCV003075579.3), dbSNP rs750033958, ClinGen allele CA388020260.
Genomic context (GRCh38, chr13:51,935,681, plus strand): 5'-CAGACACAGAGGAGGCTGCCATGGCCGCTGAGCCCATCCAGGGCTGCAGCACAATGCCGA[T>A]GGGCATGAAGACACCTGGGGAAGAAAGAACTCGCACTCACACCTAGGTCTGGGGAGAGGA-3'
Protein context (NP_000044.2, residues 1336-1356): IPIAAGVFMP[Ile1346Phe]GIVLQPWMGS

ClinVar aggregate classification (germline): Uncertain significance. Review status: criteria provided, multiple submitters, no conflicts (2 of 4 stars). 3 submissions from 3 submitters: Uncertain significance (3). Last evaluated 2026-07-07.

Conditions:
Wilson disease (WND). Also called: Wilson's disease. Identifiers: Orphanet 905, MedGen C0019202, MONDO:0010200, OMIM 277900. Disease mechanism: loss of function.
Inborn genetic diseases. Identifiers: MedGen C0950123, MeSH D030342.

gnomAD v4.1: 3 of 1,612,922 alleles (0.00019%); highest among the groups gnomAD compares: Non-Finnish European, 0.00025%; no homozygotes.

Submissions (3):

Ambry Genetics
Classification: Uncertain significance for Inborn genetic diseases. Last evaluated: 2026-07-07. Review status: criteria provided, single submitter. Criteria: Ambry Variant Classification Scheme 2023. Collection method: clinical testing. Allele origin: germline.
Comment: The p.I1346F variant (also known as c.4036A>T), located in coding exon 20 of the ATP7B gene, results from an A to T substitution at nucleotide position 4036. The isoleucine at codon 1346 is replaced by phenylalanine, an amino acid with highly similar properties. This amino acid position is conserved. In addition, this alteration is predicted to be tolerated by in silico analysis. Based on the available evidence, the clinical significance of this variant remains unclear.

Color Diagnostics, LLC DBA Color Health
Classification: Uncertain significance for Wilson disease. Last evaluated: 2024-03-06. Review status: criteria provided, single submitter. Criteria: ACMG Guidelines, 2015. Collection method: clinical testing. Allele origin: germline.
Comment: This missense variant replaces isoleucine with phenylalanine at codon 1346 of the ATP7B protein. Computational prediction suggests that this variant may not impact protein structure and function. To our knowledge, functional studies have not been reported for this variant. This variant has not been reported in individuals affected with ATP7B-related disorders in the literature. This variant has not been identified in the general population by the Genome Aggregation Database (gnomAD). The available evidence is insufficient to determine the role of this variant in disease conclusively. Therefore, this variant is classified as a Variant of Uncertain Significance.

All of Us Research Program, National Institutes of Health
Classification: Uncertain significance for Wilson disease. Last evaluated: 2023-09-17. Review status: criteria provided, single submitter. Criteria: ACMG Guidelines, 2015. Collection method: clinical testing. Allele origin: germline. Inheritance: Autosomal recessive inheritance. Observed: 2 variant alleles, 2 heterozygotes.
Comment: This missense variant replaces isoleucine with phenylalanine at codon 1346 of the ATP7B protein. Computational prediction suggests that this variant may not impact protein structure and function (internally defined REVEL score threshold <= 0.5, PMID: 27666373). To our knowledge, functional studies have not been reported for this variant. This variant has not been reported in individuals affected with ATP7B-related disorders in the literature. This variant has not been identified in the general population by the Genome Aggregation Database (gnomAD). The available evidence is insufficient to determine the role of this variant in disease conclusively. Therefore, this variant is classified as a Variant of Uncertain Significance.

This study involves interpretation of variants in research participants for the purpose of population health screening. Participant phenotype was not available at the time of variant classification. Additional details can be found in publication PMID: 35346344, PMCID: PMC8962531